The following is an entry in ClinVar:

ClinVar aggregate classification (germline): Uncertain significance. Review status: criteria provided, multiple submitters, no conflicts (2 of 4 stars). 2 submissions from 2 submitters: Uncertain significance (2). Last evaluated 2025-10-29.

Conditions:
Familial temporal lobe epilepsy 7. Identifiers: Orphanet 101046, MedGen C4225327, MONDO:0014639, OMIM 616436.
Norman-Roberts syndrome (LIS2). Also called: Lissencephaly 2 (Norman-Roberts type). Identifiers: Orphanet 89844, MedGen C0796089, MONDO:0009760, OMIM 257320.
Inborn genetic diseases. Identifiers: MedGen C0950123, MeSH D030342.

Allele frequency attached by ClinVar (database versions not stated): gnomAD exomes below 0.00001.
gnomAD v4.1: 3 of 1,613,210 alleles (0.00019%); highest among the groups gnomAD compares: African/African-American, 0.0027%; no homozygotes.

Submissions (2):

Ambry Genetics
Classification: Uncertain significance for Inborn genetic diseases. Last evaluated: 2025-10-29. Review status: criteria provided, single submitter. Criteria: Ambry Variant Classification Scheme 2023. Collection method: clinical testing. Allele origin: germline.

Labcorp Genetics (formerly Invitae), Labcorp
Classification: Uncertain significance for Familial temporal lobe epilepsy 7; Norman-Roberts syndrome. Last evaluated: 2024-10-24. Review status: criteria provided, single submitter. Criteria: Invitae Variant Classification Sherloc (09022015). Collection method: clinical testing. Allele origin: germline.
Comment: This sequence change replaces asparagine, which is neutral and polar, with serine, which is neutral and polar, at codon 2568 of the RELN protein (p.Asn2568Ser). This variant is not present in population databases (gnomAD no frequency). This variant has not been reported in the literature in individuals affected with RELN-related conditions. ClinVar contains an entry for this variant (Variation ID: 1520117). Invitae Evidence Modeling of protein sequence and biophysical properties (such as structural, functional, and spatial information, amino acid conservation, physicochemical variation, residue mobility, and thermodynamic stability) indicates that this missense variant is not expected to disrupt RELN protein function with a negative predictive value of 80%. In summary, the available evidence is currently insufficient to determine the role of this variant in disease. Therefore, it has been classified as a Variant of Uncertain Significance.

NM_005045.4(RELN):c.7703A>G (p.Asn2568Ser)

Gene: RELN (reelin; minus strand). Cytogenetic location: 7q22.1.
Variant type: single nucleotide variant.
Coding change: c.7703A>G on transcript NM_005045.4 (MANE Select); coding-DNA position 7703, A replaced by G.
Protein change: p.Asn2568Ser; replaces asparagine 2568 with serine.
Molecular consequence: missense variant.
Genome position (GRCh38, 1-based): chr7:103,519,482, T>C on the plus strand (A>G on the coding strand, the complement: RELN is on the minus strand). VCF-style: chr7-103519482-T-C. GRCh37 (hg19) VCF-style: chr7-103159929-T-C.
Other names: c.7703A>G, p.Asn2568Ser (NM_173054.3); c.7703A>G (NM_005045.3); short protein forms N2568S.
Identifiers: ClinVar variation 1520117 (VCV001520117.7), dbSNP rs1227007493, ClinGen allele CA368765325.